The following is an entry in ClinVar:

ClinVar aggregate classification (germline): Likely benign (0 of 4 stars; one submission).

Conditions:
MDN1-related disorder. Also called: MDN1-related condition.

Allele frequency attached by ClinVar (database versions not stated): gnomAD 0.00011; ExAC 0.00012; TOPMed 0.00012; 1000 Genomes Project 30x 0.00016; 1000 Genomes Project 0.00020; gnomAD exomes 0.00024; ESP Exome Variant Server 0.00031.
gnomAD v4.1: 378 of 1,614,146 alleles (0.023%); highest among the groups gnomAD compares: Non-Finnish European, 0.03%; no homozygotes.

Submission:

PreventionGenetics, part of Exact Sciences
Classification: Likely benign for MDN1-related condition. Last evaluated: 2019-07-23. Review status: no assertion criteria provided. Collection method: clinical testing. Allele origin: germline.
Comment: This variant is classified as likely benign based on ACMG/AMP sequence variant interpretation guidelines (Richards et al. 2015 PMID: 25741868, with internal and published modifications).

NM_014611.3(MDN1):c.12162G>A (p.Leu4054=)

Genes: MDN1 (midasin AAA ATPase 1; minus strand), MDN1-AS1 (MDN1 antisense RNA 1; plus strand). Cytogenetic location: 6q15.
Variant type: single nucleotide variant.
Coding change: c.12162G>A on transcript NM_014611.3 (MANE Select); coding-DNA position 12162, G replaced by A.
Protein change: p.Leu4054=; no amino-acid change (leucine 4054 retained).
Molecular consequence: synonymous variant.
Genome position (GRCh38, 1-based): chr6:89,680,692, C>T on the plus strand (G>A on the coding strand, the complement: MDN1 is on the minus strand). VCF-style: chr6-89680692-C-T. GRCh37 (hg19) VCF-style: chr6-90390411-C-T.
Identifiers: ClinVar variation 3050419 (VCV003050419.2), dbSNP rs143260725, ClinGen allele CA3923129.